The following is an entry in ClinVar:

NM_012079.6(DGAT1):c.788dup (p.Tyr263Ter)

Gene: DGAT1 (diacylglycerol O-acyltransferase 1; minus strand). Cytogenetic location: 8q24.3.
Variant type: Duplication.
Coding change: c.788dup on transcript NM_012079.6 (MANE Select); coding-DNA position 788, one base duplicated (A; older notation c.788dupA).
Protein change: p.Tyr263Ter; replaces tyrosine 263 with a stop codon.
Molecular consequence: nonsense.
Genome position (GRCh38, 1-based): chr8:144,317,981, T duplicated on the plus strand (A on the coding strand, the reverse complement: DGAT1 is on the minus strand). VCF-style (leftmost placement, unchanged base first): chr8-144317980-G-GT. GRCh37 (hg19) VCF-style: chr8-145541643-G-GT.
Other names: short protein forms Y263*.
Identifiers: ClinVar variation 2826549 (VCV002826549.3), dbSNP rs2488952501, ClinGen allele CA2689080461.
Genomic context (GRCh38, chr8:144,317,980, plus strand): 5'-AAGGATCCGTCGCAGCAGAAAGCGCTTCCGGATGCGGGGAGAGCGGGGAAAGTTGAGCTC[G>GT]TAGCACAAGGTGGGGGCGAAGAGGAAGTAGTAGAGATCTGGAATGGGAATGGGGGGTTGG-3'

ClinVar aggregate classification (germline): Pathogenic (1 of 4 stars; one submission).

Allele frequency attached by ClinVar (database versions not stated): gnomAD exomes below 0.00001.

Submission:

Labcorp Genetics (formerly Invitae), Labcorp
Classification: Pathogenic. Last evaluated: 2023-01-14. Review status: criteria provided, single submitter. Criteria: Invitae Variant Classification Sherloc (09022015). Collection method: clinical testing. Allele origin: germline.
Comment: This sequence change creates a premature translational stop signal (p.Tyr263*) in the DGAT1 gene. It is expected to result in an absent or disrupted protein product. Loss-of-function variants in DGAT1 are known to be pathogenic (PMID: 29604290). For these reasons, this variant has been classified as Pathogenic. Algorithms developed to predict the effect of sequence changes on RNA splicing suggest that this variant may create or strengthen a splice site. This variant has not been reported in the literature in individuals affected with DGAT1-related conditions. This variant is not present in population databases (gnomAD no frequency).

Literature cited by the submitters: PubMed 29604290.